The following is an entry in ClinVar:

NM_015443.4(KANSL1):c.1821C>T (p.Pro607=)

Gene: KANSL1 (KAT8 regulatory NSL complex subunit 1). Cytogenetic location: 17q21.31.
Variant type: single nucleotide variant.
Coding change: c.1821C>T on transcript NM_015443.4 (MANE Select); coding-DNA position 1821, C replaced by T.
Protein change: p.Pro607=; no amino-acid change (proline 607 retained).
Molecular consequence: synonymous variant.
Genome position (GRCh38, 1-based): chr17:46,066,564, G>A on the plus strand (C>T on the coding strand, the complement: KANSL1 is on the minus strand). VCF-style: chr17-46066564-G-A. GRCh37 (hg19) VCF-style: chr17-44143930-G-A.
Other names: c.1821C>T, p.Pro607= (NM_001193465.2, NM_001193466.2, NM_001379198.1 and 14 more transcripts); c.1719C>T, p.Pro573= (NM_001405859.1, NM_001405860.1, NM_001405861.1 and 1 more transcripts); c.555C>T, p.Pro185= (NM_001405882.1, NM_001405883.1, NM_001405884.1 and 1 more transcripts).
Identifiers: ClinVar variation 5039990 (VCV005039990.1).

ClinVar aggregate classification (germline): Likely benign (1 of 4 stars; one submission).

Submission:

CeGaT Center for Human Genetics Tuebingen
Classification: Likely benign. Last evaluated: 2026-07-01. Review status: criteria provided, single submitter. Criteria: CeGaT Center For Human Genetics Tuebingen Variant Classification Criteria Version 2. Collection method: clinical testing. Allele origin: germline. Affected: yes. Observed: 1 variant allele.
Comment: KANSL1: PM2:Supporting, BP4, BP7